The following is an entry in ClinVar:

ClinVar aggregate classification (germline): Conflicting classifications of pathogenicity. Review status: criteria provided, conflicting classifications (1 of 4 stars). 2 submissions from 2 submitters: Pathogenic (1); Uncertain significance (1). Last evaluated 2023-12-09.

Conditions:
HYPERHOMOCYSTEINEMIA, THROMBOTIC, CBS-RELATED. Identifiers: MedGen C3150344, OMIM 236200.

Allele frequency attached by ClinVar (database versions not stated): gnomAD exomes below 0.00001; ExAC 0.00001; gnomAD 0.00003.

Submissions (2):

Labcorp Genetics (formerly Invitae), Labcorp
Classification: Pathogenic for HYPERHOMOCYSTEINEMIA, THROMBOTIC, CBS-RELATED. Last evaluated: 2023-12-09. Review status: criteria provided, single submitter. Criteria: Invitae Variant Classification Sherloc (09022015). Collection method: clinical testing. Allele origin: germline.
Comment: This sequence change affects the initiator methionine of the CBS mRNA. The next in-frame methionine is located at codon 89. This variant is present in population databases (rs769766030, gnomAD 0.002%). Disruption of the initiator codon has been observed in individual(s) with homocystinuria (PMID: 29352562). In at least one individual the data is consistent with being in trans (on the opposite chromosome) from a pathogenic variant. ClinVar contains an entry for this variant (Variation ID: 196204). This variant disrupts a region of the CBS protein in which other variant(s) (p.Pro49Leu) have been determined to be pathogenic (PMID: 21520339, 23733603, 23974653, 25218699). This suggests that this is a clinically significant region of the protein, and that variants that disrupt it are likely to be disease-causing. For these reasons, this variant has been classified as Pathogenic.

Eurofins Ntd Llc (ga)
Classification: Uncertain significance. Last evaluated: 2014-12-12. Review status: criteria provided, single submitter. Criteria: EGL Classification Definitions 2015. Collection method: clinical testing. Allele origin: germline. Observed: 1 variant allele, 1 heterozygote.

Literature cited by the submitters: PubMed 29352562 (cited by Labcorp Genetics (formerly Invitae), Labcorp); PubMed 21520339 (cited by Labcorp Genetics (formerly Invitae), Labcorp); PubMed 23733603 (cited by Labcorp Genetics (formerly Invitae), Labcorp); PubMed 23974653 (cited by Labcorp Genetics (formerly Invitae), Labcorp); PubMed 25218699 (cited by Labcorp Genetics (formerly Invitae), Labcorp).

NM_000071.3(CBS):c.2T>C (p.Met1Thr)

Gene: CBS (cystathionine beta-synthase; minus strand). Cytogenetic location: 21q22.3.
Variant type: single nucleotide variant.
Coding change: c.2T>C on transcript NM_000071.3 (MANE Select); coding-DNA position 2, T replaced by C.
Protein change: p.Met1Thr; changes the start codon (methionine 1).
Molecular consequence: missense variant, initiator codon variant.
Genome position (GRCh38, 1-based): chr21:43,072,192, A>G on the plus strand (T>C on the coding strand, the complement: CBS is on the minus strand). VCF-style: chr21-43072192-A-G. GRCh37 (hg19) VCF-style: chr21-44492302-A-G.
Other names: c.2T>C, p.Met1Thr (NM_001178008.3, NM_001178009.3, NM_001320298.2); short protein forms M1T.
Identifiers: ClinVar variation 196204 (VCV000196204.9), dbSNP rs769766030, ClinGen allele CA243089.